The following is an entry in ClinVar:

ClinVar aggregate classification (germline): Conflicting classifications of pathogenicity. Review status: criteria provided, conflicting classifications (1 of 4 stars). 2 submissions from 2 submitters: Likely pathogenic (1); Uncertain significance (1). Last evaluated 2025-03-28.

Allele frequency attached by ClinVar (database versions not stated): gnomAD exomes 0.00001.
gnomAD v4.1: 6 of 1,612,402 alleles (0.00037%); highest among the groups gnomAD compares: South Asian, 0.0055%; no homozygotes.

Submissions (2):

GeneDx
Classification: Likely pathogenic. Last evaluated: 2025-03-28. Review status: criteria provided, single submitter. Criteria: GeneDx Variant Classification Process June 2021. Collection method: clinical testing. Allele origin: germline.
Comment: Not observed at significant frequency in large population cohorts (gnomAD); In silico analysis supports that this missense variant has a deleterious effect on protein structure/function; This variant is associated with the following publications: (PMID: 35074891)

Revvity Omics, Revvity
Classification: Uncertain significance. Last evaluated: 2020-10-29. Review status: criteria provided, single submitter. Criteria: ACMG Guidelines, 2015. Collection method: clinical testing. Allele origin: germline.

NM_001165963.4(SCN1A):c.672G>C (p.Leu224Phe)

Gene: SCN1A (sodium voltage-gated channel alpha subunit 1; minus strand). Cytogenetic location: 2q24.3.
Variant type: single nucleotide variant.
Coding change: c.672G>C on transcript NM_001165963.4 (MANE Select); coding-DNA position 672, G replaced by C.
Protein change: p.Leu224Phe; replaces leucine 224 with phenylalanine.
Molecular consequence: missense variant. On other transcripts: 5 prime UTR variant (1), non-coding transcript variant (1).
Genome position (GRCh38, 1-based): chr2:166,052,874, C>G on the plus strand (G>C on the coding strand, the complement: SCN1A is on the minus strand). VCF-style: chr2-166052874-C-G. GRCh37 (hg19) VCF-style: chr2-166909384-C-G.
Other names: c.672G>C, p.Leu224Phe (NM_001165964.3, NM_001202435.3, NM_001353948.2 and 10 more transcripts); c.-1754G>C (NM_001353961.2); short protein forms L224F.
Identifiers: ClinVar variation 1801093 (VCV001801093.5), dbSNP rs1170665581, ClinGen allele CA349074113.
Genomic context (GRCh38, chr2:166,052,874, plus strand): 5'-CATGATGGGTCCGTCTCATTATCTAACCTTGCTCTCACCTGGAATGACTGAAATCGTCTT[C>G]AATGCTCGGAGAACTCTGAATGTTCTCAATGCCGAGACATTGCCCAGGTCCACAAACTCT-3'
Protein context (NP_001159435.1, residues 214-234): ALRTFRVLRA[Leu224Phe]KTISVIPGLK